The following is an entry in ClinVar:

NM_020529.3(NFKBIA):c.135G>C (p.Met45Ile)

Gene: NFKBIA (NFKB inhibitor alpha; minus strand). Cytogenetic location: 14q13.2.
Variant type: single nucleotide variant.
Coding change: c.135G>C on transcript NM_020529.3 (MANE Select); coding-DNA position 135, G replaced by C.
Protein change: p.Met45Ile; replaces methionine 45 with isoleucine.
Molecular consequence: missense variant.
Genome position (GRCh38, 1-based): chr14:35,404,510, C>G on the plus strand (G>C on the coding strand, the complement: NFKBIA is on the minus strand). VCF-style: chr14-35404510-C-G. GRCh37 (hg19) VCF-style: chr14-35873716-C-G.
Other names: short protein forms M45I.
Identifiers: ClinVar variation 3724075 (VCV003724075.2).
Genomic context (GRCh38, chr14:35,404,510, plus strand): 5'-GGGCTCCGAGCCGCGCGGCACCTCCTGCGGCTCGAGGCGGATCTCCTGCAGCTCCTTGAC[C>G]ATCTGCTCGTACTCCTCGTCTTTCATGGAGTCCAGGCCGCTGTCGTGGCGGTCGTCCAGT-3'
Protein context (NP_065390.1, residues 35-55): DSMKDEEYEQ[Met45Ile]VKELQEIRLE

ClinVar aggregate classification (germline): Uncertain significance (1 of 4 stars; one submission).

Conditions:
Ectodermal dysplasia and immunodeficiency 2. Identifiers: Orphanet 238468, Orphanet 98813, MedGen C2677481, MONDO:0012806, OMIM 612132.

gnomAD v4.1: 1 of 1,604,560 alleles (0.000062%); highest among the groups gnomAD compares: African/African-American, 0.0013%; no homozygotes.

Submission:

Labcorp Genetics (formerly Invitae), Labcorp
Classification: Uncertain significance for Ectodermal dysplasia and immunodeficiency 2. Last evaluated: 2024-10-30. Review status: criteria provided, single submitter. Criteria: Invitae Variant Classification Sherloc (09022015). Collection method: clinical testing. Allele origin: germline.
Comment: This sequence change replaces methionine, which is neutral and non-polar, with isoleucine, which is neutral and non-polar, at codon 45 of the NFKBIA protein (p.Met45Ile). This variant is not present in population databases (gnomAD no frequency). This variant has not been reported in the literature in individuals affected with NFKBIA-related conditions. An algorithm developed to predict the effect of missense changes on protein structure and function (PolyPhen-2) suggests that this variant is likely to be tolerated. In summary, the available evidence is currently insufficient to determine the role of this variant in disease. Therefore, it has been classified as a Variant of Uncertain Significance.